The following is an entry in ClinVar:

ClinVar aggregate classification (germline): Uncertain significance (1 of 4 stars; one submission).

Conditions:
Inborn genetic diseases. Identifiers: MedGen C0950123, MeSH D030342.

gnomAD v4.1: 3 of 1,613,770 alleles (0.00019%); highest among the groups gnomAD compares: South Asian, 0.0033%; no homozygotes.

Submission:

Ambry Genetics
Classification: Uncertain significance for Inborn genetic diseases. Last evaluated: 2025-02-09. Review status: criteria provided, single submitter. Criteria: Ambry Variant Classification Scheme 2023. Collection method: clinical testing. Allele origin: germline.
Comment: The p.R1485G variant (also known as c.4453A>G), located in coding exon 30 of the ANKRD26 gene, results from an A to G substitution at nucleotide position 4453. The arginine at codon 1485 is replaced by glycine, an amino acid with dissimilar properties. This amino acid position is conserved. In addition, this alteration is predicted to be tolerated by in silico analysis. Based on the available evidence, the clinical significance of this variant remains unclear.

NM_014915.3(ANKRD26):c.4453A>G (p.Arg1485Gly)

Gene: ANKRD26 (ankyrin repeat domain containing 26; minus strand). Cytogenetic location: 10p12.1.
Variant type: single nucleotide variant.
Coding change: c.4453A>G on transcript NM_014915.3 (MANE Select); coding-DNA position 4453, A replaced by G.
Protein change: p.Arg1485Gly; replaces arginine 1485 with glycine.
Molecular consequence: missense variant.
Genome position (GRCh38, 1-based): chr10:27,017,555, T>C on the plus strand (A>G on the coding strand, the complement: ANKRD26 is on the minus strand). VCF-style: chr10-27017555-T-C. GRCh37 (hg19) VCF-style: chr10-27306484-T-C.
Other names: c.4450A>G, p.Arg1484Gly (NM_001256053.2); short protein forms R1485G, R1484G.
Identifiers: ClinVar variation 3871104 (VCV003871104.1).